The following is an entry in ClinVar:

NM_001127511.3(APC):c.-7_-6delinsAA

Gene: APC (APC regulator of Wnt signaling pathway; plus strand). Cytogenetic location: 5q22.2.
Variant type: Indel.
Coding change: c.-7_-6delinsAA on transcript NM_001127511.3; 7 bases upstream of the start codon through 6 bases upstream of the start codon, GC replaced by AA.
Molecular consequence: 5 prime UTR variant. On other transcripts: non-coding transcript variant (1), intron variant (5).
Genome position (GRCh38, 1-based): chr5:112,707,711-112,707,712, GC replaced by AA. VCF-style: chr5-112707711-GC-AA. GRCh37 (hg19) VCF-style: chr5-112043408-GC-AA.
Other names: c.-190_-189delinsAA (NM_001354895.2, NM_001407447.1, NM_001407452.1 and 3 more transcripts); c.-7_-6delinsAA (NM_001354897.2, NM_001354902.2, NM_001407446.1); c.-1225_-1224delinsAA (NM_001407470.1, NM_001407472.1); c.-19+62_-19+63delinsAA (NM_001407448.1, NM_001407450.1, NM_001407457.1 and 1 more transcripts); c.-43+62_-43+63delinsAA (NM_001407453.1).
Identifiers: ClinVar variation 1009725 (VCV001009725.9), dbSNP rs1750599736, ClinGen allele CA1573442660.

ClinVar aggregate classification (germline): Uncertain significance (1 of 4 stars; one submission).

Conditions:
Familial adenomatous polyposis 1 (FAP1). Also called: FAMILIAL ADENOMATOUS POLYPOSIS 1, ATTENUATED; POLYPOSIS, ADENOMATOUS INTESTINAL. Identifiers: MedGen C2713442, MONDO:0021056, OMIM 175100. Disease mechanism: loss of function.

Submission:

Labcorp Genetics (formerly Invitae), Labcorp
Classification: Uncertain significance for Familial adenomatous polyposis 1. Last evaluated: 2019-03-13. Review status: criteria provided, single submitter. Criteria: Invitae Variant Classification Sherloc (09022015). Collection method: clinical testing. Allele origin: germline.
Comment: In summary, the available evidence is currently insufficient to determine the role of this variant in disease. Therefore, it has been classified as a Variant of Uncertain Significance. Experimental studies and prediction algorithms are not available for this variant, and the functional significance of this non-coding change is currently unknown. This variant has not been reported in the literature in individuals with APC-related conditions. The frequency data for this variant in the population databases is considered unreliable, as metrics indicate insufficient coverage at this position in the ExAC database. This variant occurs in a non-coding region of the APC gene. It does not change the encoded amino acid sequence of the APC protein.